The following is an entry in ClinVar:

ClinVar aggregate classification (germline): Uncertain significance. Review status: criteria provided, multiple submitters, no conflicts (2 of 4 stars). 3 submissions from 3 submitters: Uncertain significance (3). Last evaluated 2021-01-01.

Conditions:
Intellectual developmental disorder, autosomal dominant 45. Also called: MENTAL RETARDATION, AUTOSOMAL DOMINANT 45; Intellectual disability, autosomal dominant 45. Identifiers: MedGen C4539848, MONDO:0030910, OMIM 617600.

Allele frequency attached by ClinVar (database versions not stated): TOPMed 0.00002; gnomAD 0.00003; ESP Exome Variant Server 0.00008.
gnomAD v4.1: 36 of 1,613,636 alleles (0.0022%); highest among the groups gnomAD compares: Middle Eastern, 0.016%; no homozygotes.

Submissions (3):

CeGaT Center for Human Genetics Tuebingen
Classification: Uncertain significance. Last evaluated: 2021-01-01. Review status: criteria provided, single submitter. Criteria: CeGaT Center For Human Genetics Tuebingen Variant Classification Criteria Version 2. Collection method: clinical testing. Allele origin: germline. Affected: yes. Observed: 1 variant allele.

Breda Genetics srl
Classification: Uncertain significance for Intellectual developmental disorder, autosomal dominant 45. Last evaluated: 2020-09-15. Review status: criteria provided, single submitter. Criteria: ACMG Guidelines, 2015. Collection method: clinical testing. Allele origin: germline. Inheritance: Autosomal dominant inheritance. Affected: yes. Observed: 1 variant allele, 1 heterozygote.
Comment: Based on allele frequency, in-silico prediction scores and a certain overlap with the clinical phenotype, we interpreted this variant at least as of uncertain significance. The lack of one or more of the following features has discouraged further investigations: lack of a possible second hit in autosomal recessive conditions, presence of healthy controls in databases for autosomal dominant conditions, presence of unmatching cardinal clinical features in the patient or in the known gene-disease association, and/or variant type outside the known gene mutational spectrum.

Baylor Genetics
Classification: Uncertain significance for Intellectual developmental disorder, autosomal dominant 45. Last evaluated: 2018-04-17. Review status: criteria provided, single submitter. Criteria: ACMG Guidelines, 2015. Collection method: clinical testing. Allele origin: maternal. Affected: yes.
Comment: This variant was determined to be of uncertain significance according to ACMG Guidelines, 2015 [PMID:25741868].

NM_001386298.1(CIC):c.6190G>A (p.Ala2064Thr)

Gene: CIC (capicua transcriptional repressor; plus strand). Cytogenetic location: 19q13.2.
Variant type: single nucleotide variant.
Coding change: c.6190G>A on transcript NM_001386298.1 (MANE Select); coding-DNA position 6190, G replaced by A.
Protein change: p.Ala2064Thr; replaces alanine 2064 with threonine.
Molecular consequence: missense variant.
Genome position (GRCh38, 1-based): chr19:42,292,853, G>A. VCF-style: chr19-42292853-G-A. GRCh37 (hg19) VCF-style: chr19-42797005-G-A.
Other names: c.6190G>A, p.Ala2064Thr (NM_001304815.2, NM_001379480.1, NM_001379482.1); c.3463G>A, p.Ala1155Thr (NM_001379484.1, NM_001379485.1, NM_015125.5); short protein forms A1155T, A2064T.
Identifiers: ClinVar variation 1013169 (VCV001013169.40), dbSNP rs148703020, ClinGen allele CA9472634.
Genomic context (GRCh38, chr19:42,292,853, plus strand): 5'-CCCAAGGGCCCGCCAGCCCCTGCCACTGCCACCCCAGCCCCGACTAGCCCTTTCCCCAGC[G>A]CCACAGGTAGGTGTCAGATCAACCCAGAGCAGAGTGAGTTGGGGGACCCAGGGGATGGGC-3'
Protein context (NP_001373227.1, residues 2054-2074): TPAPTSPFPS[Ala2064Thr]TAGSMTYSLV